The following is an entry in ClinVar:

ClinVar aggregate classification (germline): Uncertain significance (1 of 4 stars; one submission).

Conditions:
Intellectual developmental disorder, autosomal dominant 56. Also called: Intellectual disability, autosomal dominant 56; MENTAL RETARDATION, AUTOSOMAL DOMINANT 56. Identifiers: MedGen C4693389, MONDO:0030922, OMIM 617854.

Submission:

Geisinger Autism and Developmental Medicine Institute, Geisinger Health System
Classification: Uncertain significance for Intellectual developmental disorder, autosomal dominant 56. Last evaluated: 2018-02-26. Review status: criteria provided, single submitter. Criteria: ACMG Guidelines, 2015. Collection method: provider interpretation, clinical testing. Allele origin: unknown. Observed: 1 variant allele.
Comment: At the time of the lab report, no known human disorders had been clearly associated with this gene. Heterozygous de novo variants had been reported in an individual with epilepsy and an individual with developmental delay and multiple malformations (Helbig et al 2016; DeMari et al. 2016). Additionally, other genes in the same clathrin protein complex have been implicated in neurodevelopmental disorders. This variant is expected to cause loss of normal protein function through protein truncation or nonsense mediated mRNA decay. The variant is absent from population databases and the CLTC gene is constrained for missense and loss of function variation. Since this variant was reported, a subsequent publication reported variants in CLTC in individuals with ID, learning disability, hypotonia, and epilepsy (Hamden et al. 2017). Of note, a variant of uncertain significance was also identified in CNOT1.

Literature cited by the submitters: PubMed 29100083; PubMed 26795593; PubMed 26822784.

NM_004859.4(CLTC):c.4388_4389del (p.Val1463fs)

Genes: CLTC (clathrin heavy chain; plus strand), LOC126862609 (CDK7 strongly-dependent group 2 enhancer GRCh37_chr17:57760547-57761746; plus strand). Cytogenetic location: 17q23.1.
Variant type: Microsatellite.
Coding change: c.4388_4389del on transcript NM_004859.4 (MANE Select); coding-DNA positions 4388 to 4389, 2 bases deleted (TG; older notation c.4388_4389delTG).
Protein change: p.Val1463fs; shifts the reading frame from valine 1463.
Molecular consequence: frameshift variant.
Genome position (GRCh38, 1-based): chr17:59,683,939-59,683,940, TG deleted; deleting any 2 consecutive bases within chr17:59,683,937-59,683,940 gives the same sequence; the c. name uses the placement nearest the transcript's 3' end. VCF-style (leftmost placement, unchanged base first): chr17-59683936-CTG-C. GRCh37 (hg19) VCF-style: chr17-57761297-CTG-C.
Other names: c.4400_4401delTG (NM_001288653.1); c.4400_4401del, p.Val1467fs (NM_001288653.2); short protein forms V1463fs, V1467fs.
Identifiers: ClinVar variation 560225 (VCV000560225.3), dbSNP rs1567971357, ClinGen allele CA658824328.
Genomic context (GRCh38, chr17:59,683,936, plus strand): 5'-TTAAACAGCTACCACTGGTGAAACCGTATTTGCGTTCAGTTCAGAACCATAACAACAAAT[CTG>C]TGAATGAATCATTGAACAATCTTTTTATTACAGAAGAAGATTATCAGGTAAAACCTTTTG-3'